The following is an entry in ClinVar:

NM_002838.5(PTPRC):c.220A>G (p.Thr74Ala)

Gene: PTPRC (protein tyrosine phosphatase receptor type C; plus strand). Cytogenetic location: 1q31.3.
Variant type: single nucleotide variant.
Coding change: c.220A>G on transcript NM_002838.5 (MANE Select); coding-DNA position 220, A replaced by G.
Protein change: p.Thr74Ala; replaces threonine 74 with alanine.
Molecular consequence: missense variant. On other transcripts: intron variant (1).
Genome position (GRCh38, 1-based): chr1:198,696,831, A>G. VCF-style: chr1-198696831-A-G. GRCh37 (hg19) VCF-style: chr1-198665960-A-G.
Other names: c.100+4458A>G (NM_080921.4); short protein forms T74A.
Identifiers: ClinVar variation 4087839 (VCV004087839.1).
Genomic context (GRCh38, chr1:198,696,831, plus strand): 5'-ACCACTGCATTCTCACCCGCAAGCACCTTTGAAAGAGAAAATGACTTCTCAGAGACCACA[A>G]CTTCTCTTAGTCCAGACAATACTTCCACCCAAGTATCCCCGGACTCTTTGGATAATGCTA-3'
Protein context (NP_002829.3, residues 64-84): ERENDFSETT[Thr74Ala]SLSPDNTSTQ

ClinVar aggregate classification (germline): Uncertain significance (1 of 4 stars; one submission).

gnomAD v4.1: 9 of 1,613,904 alleles (0.00056%); highest among the groups gnomAD compares: East Asian, 0.0045%; no homozygotes.

Submission:

GeneDx
Classification: Uncertain significance. Last evaluated: 2025-03-26. Review status: criteria provided, single submitter. Criteria: GeneDx Variant Classification Process June 2021. Collection method: clinical testing. Allele origin: germline. Affected: yes.
Comment: In silico analysis indicates that this missense variant does not alter protein structure/function; Has not been previously published as pathogenic or benign to our knowledge